The following is an entry in ClinVar:

NM_017780.4(CHD7):c.1812C>A (p.Asn604Lys)

Genes: CHD7 (chromodomain helicase DNA binding protein 7; plus strand), LOC126860403 (CDK7 strongly-dependent group 2 enhancer GRCh37_chr8:61693034-61694233; plus strand). Cytogenetic location: 8q12.2.
Variant type: single nucleotide variant.
Coding change: c.1812C>A on transcript NM_017780.4 (MANE Select); coding-DNA position 1812, C replaced by A.
Protein change: p.Asn604Lys; replaces asparagine 604 with lysine.
Molecular consequence: missense variant. On other transcripts: intron variant (1).
Genome position (GRCh38, 1-based): chr8:60,781,146, C>A. VCF-style: chr8-60781146-C-A. GRCh37 (hg19) VCF-style: chr8-61693705-C-A.
Other names: c.1812C>A (LRG_176t1); c.1716+96C>A (NM_001316690.1); short protein forms N604K.
Identifiers: ClinVar variation 267418 (VCV000267418.7), dbSNP rs764607908, ClinGen allele CA10602485.

ClinVar aggregate classification (germline): Conflicting classifications of pathogenicity. Review status: criteria provided, conflicting classifications (1 of 4 stars). 4 submissions from 4 submitters: Uncertain significance (3); Likely benign (1). Last evaluated 2024-05-27.

Conditions:
CHARGE syndrome (CHARGE). Also called: Hittner Hirsch Kreh syndrome; Coloboma, heart anomaly, choanal atresia, retardation, genital and ear anomalies; CHARGE association; Hall-Hittner syndrome; CHARGE ASSOCIATION--COLOBOMA, HEART ANOMALY, CHOANAL ATRESIA, RETARDATION, GENITAL AND EAR ANOMALIES. Identifiers: Orphanet 138, MedGen C0265354, MONDO:0008965.
Hypogonadotropic hypogonadism 5 with or without anosmia (KAL5). Also called: CHD7-Related GnRH Deficiency (Kallmann Syndrome 5); HYPOGONADOTROPIC HYPOGONADISM 5 WITH ANOSMIA; HYPOGONADOTROPHIC HYPOGONADISM 5 WITHOUT ANOSMIA. Identifiers: Orphanet 478, MedGen C3552553, MONDO:0012880, OMIM 612370. Disease mechanism: loss of function.

Allele frequency attached by ClinVar (database versions not stated): gnomAD 0.00001; TOPMed 0.00001.
gnomAD v4.1: 20 of 1,609,070 alleles (0.0012%); highest among the groups gnomAD compares: Non-Finnish European, 0.0016%; no homozygotes.

Submissions (4):

Labcorp Genetics (formerly Invitae), Labcorp
Classification: Likely benign for CHARGE syndrome. Last evaluated: 2024-05-27. Review status: criteria provided, single submitter. Criteria: Invitae Variant Classification Sherloc (09022015). Collection method: clinical testing. Allele origin: germline.

GeneDx
Classification: Uncertain significance. Last evaluated: 2024-01-17. Review status: criteria provided, single submitter. Criteria: GeneDx Variant Classification Process June 2021. Collection method: clinical testing. Allele origin: germline. Affected: yes.
Comment: Not observed at significant frequency in large population cohorts (gnomAD); In silico analysis supports that this missense variant has a deleterious effect on protein structure/function; Has not been previously published as pathogenic or benign to our knowledge

Fulgent Genetics
Classification: Uncertain significance for CHD7-related CHARGE syndrome; Hypogonadotropic hypogonadism 5 with or without anosmia. Last evaluated: 2024-01-09. Review status: criteria provided, single submitter. Criteria: ACMG Guidelines, 2015. Collection method: clinical testing. Allele origin: germline.

Genomic Diagnostic Laboratory, Division of Genomic Diagnostics, Children's Hospital of Philadelphia
Classification: Uncertain significance for CHARGE syndrome. Last evaluated: 2016-09-05. Review status: criteria provided, single submitter. Criteria: DGD Variant Analysis Guidelines. Collection method: clinical testing. Allele origin: germline. Observed: 2 variant alleles.
Comment: Clinical Testing